The following is an entry in ClinVar:

NM_001206927.2(DNAH8):c.10691G>A (p.Arg3564Gln)

Genes: DNAH8 (dynein axonemal heavy chain 8; plus strand), DNAH8-AS1 (DNAH8 antisense RNA 1; minus strand). Cytogenetic location: 6p21.2.
Variant type: single nucleotide variant.
Coding change: c.10691G>A on transcript NM_001206927.2 (MANE Select); coding-DNA position 10691, G replaced by A.
Protein change: p.Arg3564Gln; replaces arginine 3564 with glutamine.
Molecular consequence: missense variant. On other transcripts: non-coding transcript variant (1).
Genome position (GRCh38, 1-based): chr6:38,923,086, G>A. VCF-style: chr6-38923086-G-A. GRCh37 (hg19) VCF-style: chr6-38890862-G-A.
Other names: c.10040G>A, p.Arg3347Gln (NM_001371.4); c.10691G>A (NM_001206927.1); short protein forms R3347Q, R3564Q.
Identifiers: ClinVar variation 2081338 (VCV002081338.3), dbSNP rs772835642, ClinGen allele CA3790812.

ClinVar aggregate classification (germline): Uncertain significance. Review status: criteria provided, multiple submitters, no conflicts (2 of 4 stars). 3 submissions from 3 submitters: Uncertain significance (3). Last evaluated 2025-01-29.

Conditions:
Primary ciliary dyskinesia. Also called: Ciliary dyskinesia. Identifiers: Orphanet 244, MedGen C0008780, MONDO:0016575, HP:0012265.

Allele frequency attached by ClinVar (database versions not stated): TOPMed 0.00001; ExAC 0.00002.
gnomAD v4.1: 27 of 1,613,436 alleles (0.0017%); highest among the groups gnomAD compares: East Asian, 0.0067%; no homozygotes.

Submissions (3):

Ambry Genetics
Classification: Uncertain significance. Last evaluated: 2025-01-29. Review status: criteria provided, single submitter. Criteria: Ambry Variant Classification Scheme 2023. Collection method: clinical testing. Allele origin: germline.

Blueprint Genetics
Classification: Uncertain significance. Last evaluated: 2023-10-06. Review status: criteria provided, single submitter. Criteria: ACMG Guidelines, 2015. Collection method: clinical testing. Allele origin: germline.

Labcorp Genetics (formerly Invitae), Labcorp
Classification: Uncertain significance for Primary ciliary dyskinesia. Last evaluated: 2022-09-21. Review status: criteria provided, single submitter. Criteria: Invitae Variant Classification Sherloc (09022015). Collection method: clinical testing. Allele origin: germline.
Comment: This sequence change replaces arginine, which is basic and polar, with glutamine, which is neutral and polar, at codon 3564 of the DNAH8 protein (p.Arg3564Gln). This variant is present in population databases (rs772835642, gnomAD 0.02%). This variant has not been reported in the literature in individuals affected with DNAH8-related conditions. Advanced modeling of protein sequence and biophysical properties (such as structural, functional, and spatial information, amino acid conservation, physicochemical variation, residue mobility, and thermodynamic stability) performed at Invitae indicates that this missense variant is not expected to disrupt DNAH8 protein function. Algorithms developed to predict the effect of sequence changes on RNA splicing suggest that this variant may create or strengthen a splice site. In summary, the available evidence is currently insufficient to determine the role of this variant in disease. Therefore, it has been classified as a Variant of Uncertain Significance.